The following is an entry in ClinVar:

NM_006445.4(PRPF8):c.914G>A (p.Arg305Gln)

Gene: PRPF8 (pre-mRNA processing factor 8; minus strand). Cytogenetic location: 17p13.3.
Variant type: single nucleotide variant.
Coding change: c.914G>A on transcript NM_006445.4 (MANE Select); coding-DNA position 914, G replaced by A.
Protein change: p.Arg305Gln; replaces arginine 305 with glutamine.
Molecular consequence: missense variant.
Genome position (GRCh38, 1-based): chr17:1,681,007, C>T on the plus strand (G>A on the coding strand, the complement: PRPF8 is on the minus strand). VCF-style: chr17-1681007-C-T. GRCh37 (hg19) VCF-style: chr17-1584301-C-T.
Other names: short protein forms R305Q.
Identifiers: ClinVar variation 3899409 (VCV003899409.1).
Genomic context (GRCh38, chr17:1,681,007, plus strand): 5'-TGTGGAAGATTGTTGTACAAGTAAGGAAAAGCAATCTTGTACTCAGTGCGGATAGGCTGC[C>T]GGATGATAATCTTGTTAATATCATTGAATTCATTCCAGTCTTCATCCCTAGGGTACAACA-3'
Protein context (NP_006436.3, residues 295-315): EFNDINKIII[Arg305Gln]QPIRTEYKIA

ClinVar aggregate classification (germline): Uncertain significance (1 of 4 stars; one submission).

gnomAD v4.1: 1 of 1,612,928 alleles (0.000062%); highest among the groups gnomAD compares: Non-Finnish European, 0.000085%; no homozygotes.

Submission:

GeneDx
Classification: Uncertain significance. Last evaluated: 2024-11-18. Review status: criteria provided, single submitter. Criteria: GeneDx Variant Classification Process June 2021. Collection method: clinical testing. Allele origin: germline. Affected: yes.
Comment: Not observed at significant frequency in large population cohorts (gnomAD); In silico analysis supports that this missense variant has a deleterious effect on protein structure/function; Has not been previously published as pathogenic or benign to our knowledge